The following is an entry in ClinVar:

ClinVar aggregate classification (germline): Likely benign. Review status: criteria provided, single submitter (1 of 4 stars). 2 submissions from 2 submitters: Likely benign (1). 1 of the submissions does not count toward it. Last evaluated 2025-12-10.

Conditions:
POLA1-related disorder. Also called: POLA1-related condition.

Allele frequency attached by ClinVar (database versions not stated): gnomAD exomes 0.00004; ExAC 0.00006; TOPMed 0.00006; gnomAD 0.00007 and 0.00008.
gnomAD v4.1: 55 of 1,178,396 alleles (0.0047%); highest among the groups gnomAD compares: Non-Finnish European, 0.006%; no homozygotes.

Submissions (2):

Labcorp Genetics (formerly Invitae), Labcorp
Classification: Likely benign. Last evaluated: 2025-12-10. Review status: criteria provided, single submitter. Criteria: Invitae Variant Classification Sherloc (09022015). Collection method: clinical testing. Allele origin: germline.

PreventionGenetics, part of Exact Sciences
Classification: Likely benign for POLA1-related condition. Last evaluated: 2019-07-30. Review status: no assertion criteria provided. Collection method: clinical testing. Allele origin: germline. Not counted in ClinVar's aggregate classification.
Comment: This variant is classified as likely benign based on ACMG/AMP sequence variant interpretation guidelines (Richards et al. 2015 PMID: 25741868, with internal and published modifications).

NM_001330360.2(POLA1):c.2964+10G>A

Gene: POLA1 (DNA polymerase alpha 1, catalytic subunit; plus strand). Cytogenetic location: Xp22.11.
Variant type: single nucleotide variant.
Coding change: c.2964+10G>A on transcript NM_001330360.2 (MANE Select); 10 bases into the intron after coding-DNA position 2964, G replaced by A.
Molecular consequence: intron variant.
Genome position (GRCh38, 1-based): chrX:24,749,002, G>A. VCF-style: chrX-24749002-G-A. GRCh37 (hg19) VCF-style: chrX-24767119-G-A.
Other names: c.2889+10G>A (NM_001378303.1); c.2946+10G>A (NM_016937.4, NM_016937.3).
Identifiers: ClinVar variation 1554539 (VCV001554539.10), dbSNP rs779273587, ClinGen allele CA10373313.
Genomic context (GRCh38, chrX:24,749,002, plus strand): 5'-AGATTTTACGCCAAACCACTGGCTGCCTTGGTGACATACAAAGGAAGGGAGGTAAATGGC[G>A]TAATAACATTCACATCTCTAGATATGAGAGTATTTTTAACTATACATGTTATAGTGTGGG-3'